The following is an entry in ClinVar:

ClinVar aggregate classification (germline): Pathogenic (1 of 4 stars; one submission).

Conditions:
Alagille syndrome due to a JAG1 point mutation. Also called: HEPATIC DUCTULAR HYPOPLASIA, SYNDROMATIC; Alagille Syndrome 1; JAG1-Related Alagille Syndrome. Identifiers: Orphanet 261619, Orphanet 52, MedGen C1956125, MONDO:0016862, OMIM 118450.

Submission:

Labcorp Genetics (formerly Invitae), Labcorp
Classification: Pathogenic for Alagille syndrome due to a JAG1 point mutation. Last evaluated: 2019-06-10. Review status: criteria provided, single submitter. Criteria: Invitae Variant Classification Sherloc (09022015). Collection method: clinical testing. Allele origin: germline.
Comment: This sequence change creates a premature translational stop signal (p.Leu411*) in the JAG1 gene. It is expected to result in an absent or disrupted protein product. This variant is not present in population databases (ExAC no frequency). This variant has not been reported in the literature in individuals with JAG1-related conditions. Loss-of-function variants in JAG1 are known to be pathogenic (PMID: 11180599). For these reasons, this variant has been classified as Pathogenic.

Literature cited by the submitters: PubMed 11180599.

NM_000214.3(JAG1):c.1232T>A (p.Leu411Ter)

Gene: JAG1 (jagged canonical Notch ligand 1; minus strand). Cytogenetic location: 20p12.2.
Variant type: single nucleotide variant.
Coding change: c.1232T>A on transcript NM_000214.3 (MANE Select); coding-DNA position 1232, T replaced by A.
Protein change: p.Leu411Ter; replaces leucine 411 with a stop codon.
Molecular consequence: nonsense.
Genome position (GRCh38, 1-based): chr20:10,650,249, A>T on the plus strand (T>A on the coding strand, the complement: JAG1 is on the minus strand). VCF-style: chr20-10650249-A-T. GRCh37 (hg19) VCF-style: chr20-10630897-A-T.
Other names: short protein forms L411*.
Identifiers: ClinVar variation 852943 (VCV000852943.7), dbSNP rs2067336398, ClinGen allele CA408238366.